The following is an entry in ClinVar:

ClinVar aggregate classification (germline): Uncertain significance (1 of 4 stars; one submission).

Submission:

GeneDx
Classification: Uncertain significance. Last evaluated: 2017-05-31. Review status: criteria provided, single submitter. Criteria: GeneDx Variant Classification (06012015). Collection method: clinical testing. Allele origin: germline. Affected: yes.
Comment: The T580S variant in the NPR2 gene has not been reported previously as a pathogenic variant, nor as a benign variant, to our knowledge. The T580S variant is not observed in large population cohorts (Lek et al., 2016; 1000 Genomes Consortium et al., 2015; Exome Variant Server). The T580S variant is a conservative amino acid substitution, which is not likely to impact secondary protein structure as these residues share similar properties. This substitution occurs at a position that is conserved across species. In silico analysis predicts this variant is probably damaging to the protein structure/function. We interpret T580S as a variant of uncertain significance.

NM_003995.4(NPR2):c.1739C>G (p.Thr580Ser)

Gene: NPR2 (natriuretic peptide receptor 2; plus strand). Cytogenetic location: 9p13.3.
Variant type: single nucleotide variant.
Coding change: c.1739C>G on transcript NM_003995.4 (MANE Select); coding-DNA position 1739, C replaced by G.
Protein change: p.Thr580Ser; replaces threonine 580 with serine.
Molecular consequence: missense variant.
Genome position (GRCh38, 1-based): chr9:35,802,531, C>G. VCF-style: chr9-35802531-C-G. GRCh37 (hg19) VCF-style: chr9-35802528-C-G.
Other names: c.1748C>G, p.Thr583Ser (NM_001378923.1); short protein forms T580S, T583S.
Identifiers: ClinVar variation 430533 (VCV000430533.2), dbSNP rs1131692010, ClinGen allele CA373374461.
Genomic context (GRCh38, chr9:35,802,531, plus strand): 5'-TTCTTATCCTTCCCATTGTTTTTTTCTGCCAGATGAGAGATGTTCAGTTCAACCATCTCA[C>G]TCGCTTCATTGGCGCCTGCATAGACCCTCCCAACATTTGCATTGTCACTGAATACTGTCC-3'
Protein context (NP_003986.2, residues 570-590): HMRDVQFNHL[Thr580Ser]RFIGACIDPP